The following is an entry in ClinVar:

NM_002641.4(PIGA):c.317T>C (p.Leu106Pro)

Gene: PIGA (phosphatidylinositol glycan anchor biosynthesis class A; minus strand). Cytogenetic location: Xp22.2.
Variant type: single nucleotide variant.
Coding change: c.317T>C on transcript NM_002641.4 (MANE Select); coding-DNA position 317, T replaced by C.
Protein change: p.Leu106Pro; replaces leucine 106 with proline.
Molecular consequence: missense variant. On other transcripts: non-coding transcript variant (1), intron variant (1).
Genome position (GRCh38, 1-based): chrX:15,331,614, A>G on the plus strand (T>C on the coding strand, the complement: PIGA is on the minus strand). VCF-style: chrX-15331614-A-G. GRCh37 (hg19) VCF-style: chrX-15349736-A-G.
Other names: c.13+3887T>C (NM_020473.3); short protein forms L106P.
Identifiers: ClinVar variation 2060098 (VCV002060098.4), dbSNP rs2519331686, ClinGen allele CA412340569.

ClinVar aggregate classification (germline): Uncertain significance (1 of 4 stars; one submission).

Conditions:
Multiple congenital anomalies-hypotonia-seizures syndrome 2 (MCAHS2). Also called: EPILEPTIC ENCEPHALOPATHY, EARLY INFANTILE, 20; GLYCOSYLPHOSPHATIDYLINOSITOL BIOSYNTHESIS DEFECT 4. Identifiers: Orphanet 300496, MedGen C3275508, MONDO:0010466, OMIM 300868.

Submission:

Labcorp Genetics (formerly Invitae), Labcorp
Classification: Uncertain significance for Multiple congenital anomalies-hypotonia-seizures syndrome 2. Last evaluated: 2021-12-25. Review status: criteria provided, single submitter. Criteria: Invitae Variant Classification Sherloc (09022015). Collection method: clinical testing. Allele origin: germline.
Comment: In summary, the available evidence is currently insufficient to determine the role of this variant in disease. Therefore, it has been classified as a Variant of Uncertain Significance. Algorithms developed to predict the effect of missense changes on protein structure and function are either unavailable or do not agree on the potential impact of this missense change (SIFT: "Tolerated"; PolyPhen-2: "Probably Damaging"; Align-GVGD: "Class C0"). This variant has not been reported in the literature in individuals affected with PIGA-related conditions. This variant is not present in population databases (gnomAD no frequency). This sequence change replaces leucine, which is neutral and non-polar, with proline, which is neutral and non-polar, at codon 106 of the PIGA protein (p.Leu106Pro).